The following is an entry in ClinVar:

ClinVar aggregate classification (germline): Conflicting classifications of pathogenicity. Review status: criteria provided, conflicting classifications (1 of 4 stars). 4 submissions from 4 submitters: Likely pathogenic (2); Uncertain significance (1). 1 of the submissions does not count toward it. Last evaluated 2025-03-24.

Conditions:
Arthrogryposis multiplex congenita 6. Identifiers: MedGen C5543431, MONDO:0030281, OMIM 619334.
Nemaline myopathy. Also called: Myopathies, Nemaline. Identifiers: Orphanet 607, MedGen C0206157, MONDO:0018958.
Nemaline myopathy 2 (NEM2). Also called: Nemaline myopathy 2, autosomal recessive. Identifiers: MedGen C1850569, MONDO:0009725, OMIM 256030.

Allele frequency attached by ClinVar (database versions not stated): gnomAD exomes below 0.00001; gnomAD 0.00001.
gnomAD v4.1: 3 of 1,591,658 alleles (0.00019%); highest among the groups gnomAD compares: Middle Eastern, 0.017%; no homozygotes.

Submissions (4):

Broad Center for Mendelian Genomics, Broad Institute of MIT and Harvard
Classification: Uncertain significance for Nemaline myopathy. Last evaluated: 2025-03-24. Review status: criteria provided, single submitter. Criteria: ACMG Guidelines, 2015. Collection method: curation. Allele origin: germline. Inheritance: Autosomal recessive inheritance.
Comment: The c.1153-2A>G variant in NEB has not been previously reported in the literature in individuals with nemaline myopathy, but has been identified in 0.02% (1/5962) of Middle Eastern chromosomes by the Genome Aggregation Database (gnomAD; dbSNP ID: rs1553609515). Although this variant has been seen in the general population in a heterozygous state, its frequency is low enough to be consistent with a recessive carrier frequency. This variant has also been reported in ClinVar (Variation ID: 552019) and has been interpreted as likely pathogenic by Counsyl, Baylor Genetics, and Labcorp Genetics. This variant is located in the 3' splice region. Computational tools predict a splicing impact, though this information is not predictive enough to determine pathogenicity. There is an in-frame cryptic splice site 12 bases from the intron-exon boundary, providing evidence that this variant may delete 4 amino acids instead of causing loss of function. However, this information is not predictive enough to determine pathogenicity. Loss of function of the NEB gene is an established disease mechanism in autosomal recessive nemaline myopathy. In summary, the clinical significance of the c.1153-2A>G variant is uncertain. ACMG/AMP Criteria applied: PVS1_moderate, PM2_supporting (Richards 2015).

Labcorp Genetics (formerly Invitae), Labcorp
Classification: Likely pathogenic for Nemaline myopathy 2. Last evaluated: 2023-08-10. Review status: criteria provided, single submitter. Criteria: Invitae Variant Classification Sherloc (09022015). Collection method: clinical testing. Allele origin: germline.
Comment: This sequence change affects an acceptor splice site in intron 13 of the NEB gene. It is expected to disrupt RNA splicing. Variants that disrupt the donor or acceptor splice site typically lead to a loss of protein function (PMID: 16199547), and loss-of-function variants in NEB are known to be pathogenic (PMID: 25205138). In summary, the currently available evidence indicates that the variant is pathogenic, but additional data are needed to prove that conclusively. Therefore, this variant has been classified as Likely Pathogenic. Algorithms developed to predict the effect of sequence changes on RNA splicing suggest that this variant may disrupt the consensus splice site. ClinVar contains an entry for this variant (Variation ID: 552019). This variant has not been reported in the literature in individuals affected with NEB-related conditions. This variant is not present in population databases (gnomAD no frequency).

Baylor Genetics
Classification: Likely pathogenic for Arthrogryposis multiplex congenita 6. Last evaluated: 2023-02-07. Review status: criteria provided, single submitter. Criteria: ACMG Guidelines, 2015. Collection method: clinical testing. Allele origin: unknown.

Counsyl
Classification: Likely pathogenic for Nemaline myopathy 2. Last evaluated: 2017-05-19. Review status: no assertion criteria provided. Collection method: clinical testing. Allele origin: unknown. Not counted in ClinVar's aggregate classification.

Literature cited by the submitters: PubMed 16199547 (cited by Labcorp Genetics (formerly Invitae), Labcorp); PubMed 25205138 (cited by Labcorp Genetics (formerly Invitae), Labcorp).

NM_001164508.2(NEB):c.1153-2A>G

Gene: NEB (nebulin; minus strand). Cytogenetic location: 2q23.3.
Variant type: single nucleotide variant.
Coding change: c.1153-2A>G on transcript NM_001164508.2 (MANE Select); the canonical splice acceptor site of the intron before coding-DNA position 1153, A replaced by G.
Molecular consequence: splice acceptor variant.
Genome position (GRCh38, 1-based): chr2:151,697,650, T>C on the plus strand (A>G on the coding strand, the complement: NEB is on the minus strand). VCF-style: chr2-151697650-T-C. GRCh37 (hg19) VCF-style: chr2-152554164-T-C.
Other names: c.1153-2A>G (NM_004543.5, NM_001164507.2, NM_001271208.2).
Identifiers: ClinVar variation 552019 (VCV000552019.10), dbSNP rs1553609515, ClinGen allele CA348826047.